The following is an entry in ClinVar:

ClinVar aggregate classification (germline): Pathogenic (1 of 4 stars; one submission).

Conditions:
Congenital sideroblastic anemia-B-cell immunodeficiency-periodic fever-developmental delay syndrome. Also called: Sideroblastic anemia with B-cell immunodeficiency, periodic fevers, and developmental delay. Identifiers: Orphanet 369861, MedGen C4015172, MONDO:0014487, OMIM 616084.

gnomAD v4.1: 2 of 1,613,854 alleles (0.00012%); highest among the groups gnomAD compares: Non-Finnish European, 0.00017%; no homozygotes.

Submission:

Labcorp Genetics (formerly Invitae), Labcorp
Classification: Pathogenic for Congenital sideroblastic anemia-B-cell immunodeficiency-periodic fever-developmental delay syndrome. Last evaluated: 2021-08-05. Review status: criteria provided, single submitter. Criteria: Invitae Variant Classification Sherloc (09022015). Collection method: clinical testing. Allele origin: germline.
Comment: For these reasons, this variant has been classified as Pathogenic. This variant has not been reported in the literature in individuals affected with TRNT1-related conditions. This variant is not present in population databases (ExAC no frequency). This sequence change creates a premature translational stop signal (p.Lys283*) in the TRNT1 gene. It is expected to result in an absent or disrupted protein product. Loss-of-function variants in TRNT1 are known to be pathogenic (PMID: 25193871).

Literature cited by the submitters: PubMed 25193871.

NM_182916.3(TRNT1):c.847A>T (p.Lys283Ter)

Gene: TRNT1 (tRNA nucleotidyl transferase 1; plus strand). Cytogenetic location: 3p26.2.
Variant type: single nucleotide variant.
Coding change: c.847A>T on transcript NM_182916.3 (MANE Select); coding-DNA position 847, A replaced by T.
Protein change: p.Lys283Ter; replaces lysine 283 with a stop codon.
Molecular consequence: nonsense. On other transcripts: non-coding transcript variant (8).
Genome position (GRCh38, 1-based): chr3:3,147,494, A>T. VCF-style: chr3-3147494-A-T. GRCh37 (hg19) VCF-style: chr3-3189178-A-T.
Other names: c.787A>T, p.Lys263Ter (NM_001302946.2); c.847A>T, p.Lys283Ter (NM_001367321.1, NM_001367322.1, NM_001367323.1); short protein forms K263*, K283*.
Identifiers: ClinVar variation 1371643 (VCV001371643.6), dbSNP rs749437475, ClinGen allele CA351447438.
Genomic context (GRCh38, chr3:3,147,494, plus strand): 5'-GCTTTTGTCCCTACAGGTTTACCTGCTAATGCAAGTTTAGAAGAATTTGACAAAGTCAGT[A>T]AAAATGTTGATGGTTTTTCACCAAAGCCAGTGACTCTTTTGGCCTCATTATTCAAAGTAC-3'